The following is an entry in ClinVar:

ClinVar aggregate classification (germline): Uncertain significance (1 of 4 stars; one submission).

Conditions:
Ullrich congenital muscular dystrophy 2 (UCMD2). Identifiers: Orphanet 75840, MedGen C4225314, MONDO:0014654, OMIM 616470.
Bethlem myopathy 2 (BTHLM2). Identifiers: Orphanet 536516, Orphanet 610, MedGen C4225313, MONDO:0034022, OMIM 616471.

Submission:

Labcorp Genetics (formerly Invitae), Labcorp
Classification: Uncertain significance for Bethlem myopathy 2; Ullrich congenital muscular dystrophy 2. Last evaluated: 2025-02-09. Review status: criteria provided, single submitter. Criteria: Invitae Variant Classification Sherloc (09022015). Collection method: clinical testing. Allele origin: germline.
Comment: This sequence change replaces lysine, which is basic and polar, with asparagine, which is neutral and polar, at codon 351 of the COL12A1 protein (p.Lys351Asn). This variant is not present in population databases (gnomAD no frequency). This variant has not been reported in the literature in individuals affected with COL12A1-related conditions. ClinVar contains an entry for this variant (Variation ID: 566944). Invitae Evidence Modeling of protein sequence and biophysical properties (such as structural, functional, and spatial information, amino acid conservation, physicochemical variation, residue mobility, and thermodynamic stability) indicates that this missense variant is not expected to disrupt COL12A1 protein function with a negative predictive value of 80%. In summary, the available evidence is currently insufficient to determine the role of this variant in disease. Therefore, it has been classified as a Variant of Uncertain Significance.

NM_004370.6(COL12A1):c.1053G>T (p.Lys351Asn)

Gene: COL12A1 (collagen type XII alpha 1 chain; minus strand). Cytogenetic location: 6q13.
Variant type: single nucleotide variant.
Coding change: c.1053G>T on transcript NM_004370.6 (MANE Select); coding-DNA position 1053, G replaced by T.
Protein change: p.Lys351Asn; replaces lysine 351 with asparagine.
Molecular consequence: missense variant. On other transcripts: intron variant (1).
Genome position (GRCh38, 1-based): chr6:75,184,089, C>A on the plus strand (G>T on the coding strand, the complement: COL12A1 is on the minus strand). VCF-style: chr6-75184089-C-A. GRCh37 (hg19) VCF-style: chr6-75893805-C-A.
Other names: c.73+18631G>T (NM_080645.3); short protein forms K351N.
Identifiers: ClinVar variation 566944 (VCV000566944.9), dbSNP rs1562297952, ClinGen allele CA364774009.